The following is an entry in ClinVar:

ClinVar aggregate classification (germline): Uncertain significance (1 of 4 stars; one submission).

Conditions:
Carnitine palmitoyltransferase II deficiency. Also called: Carnitine Palmitoyltransferase 2 Deficiency. Identifiers: Orphanet 157, MedGen C0342790, MONDO:0015515.

Submission:

Labcorp Genetics (formerly Invitae), Labcorp
Classification: Uncertain significance for Carnitine palmitoyltransferase II deficiency. Last evaluated: 2022-02-14. Review status: criteria provided, single submitter. Criteria: Invitae Variant Classification Sherloc (09022015). Collection method: clinical testing. Allele origin: germline.
Comment: This sequence change replaces glutamic acid, which is acidic and polar, with lysine, which is basic and polar, at codon 294 of the CPT2 protein (p.Glu294Lys). This variant is not present in population databases (gnomAD no frequency). This variant has not been reported in the literature in individuals affected with CPT2-related conditions. Algorithms developed to predict the effect of missense changes on protein structure and function are either unavailable or do not agree on the potential impact of this missense change (SIFT: "Tolerated"; PolyPhen-2: "Probably Damaging"; Align-GVGD: "Class C0"). In summary, the available evidence is currently insufficient to determine the role of this variant in disease. Therefore, it has been classified as a Variant of Uncertain Significance.

NM_000098.3(CPT2):c.880G>A (p.Glu294Lys)

Gene: CPT2 (carnitine palmitoyltransferase 2; plus strand). Cytogenetic location: 1p32.3.
Variant type: single nucleotide variant.
Coding change: c.880G>A on transcript NM_000098.3 (MANE Select); coding-DNA position 880, G replaced by A.
Protein change: p.Glu294Lys; replaces glutamic acid 294 with lysine.
Molecular consequence: missense variant.
Genome position (GRCh38, 1-based): chr1:53,210,554, G>A. VCF-style: chr1-53210554-G-A. GRCh37 (hg19) VCF-style: chr1-53676226-G-A.
Other names: c.880G>A, p.Glu294Lys (NM_001330589.2); short protein forms E294K.
Identifiers: ClinVar variation 1971253 (VCV001971253.2), dbSNP rs1489542539, ClinGen allele CA340394034.